The following is an entry in ClinVar:

ClinVar aggregate classification (germline): Uncertain significance (1 of 4 stars; one submission).

Conditions:
Neuronal ceroid lipofuscinosis. Also called: Neuronal Ceroid Lipofuscinoses. Identifiers: Orphanet 216, Orphanet 79263, MedGen C0027877, MONDO:0016295. Disease mechanism: loss of function.

Submission:

Labcorp Genetics (formerly Invitae), Labcorp
Classification: Uncertain significance for Neuronal ceroid lipofuscinosis. Last evaluated: 2024-10-24. Review status: criteria provided, single submitter. Criteria: Invitae Variant Classification Sherloc (09022015). Collection method: clinical testing. Allele origin: germline.
Comment: This variant, c.556_558del, results in the deletion of 1 amino acid(s) of the CLN6 protein (p.Phe186del), but otherwise preserves the integrity of the reading frame. This variant is not present in population databases (gnomAD no frequency). This variant has not been reported in the literature in individuals affected with CLN6-related conditions. Experimental studies and prediction algorithms are not available or were not evaluated, and the functional significance of this variant is currently unknown. In summary, the available evidence is currently insufficient to determine the role of this variant in disease. Therefore, it has been classified as a Variant of Uncertain Significance.

NM_017882.3(CLN6):c.553TTC[1] (p.Phe186del)

Gene: CLN6 (CLN6 transmembrane ER protein; minus strand). Cytogenetic location: 15q23.
Variant type: Microsatellite.
Coding change: c.553TTC[1] on transcript NM_017882.3 (MANE Select); one copy of the 3-base unit TTC starting at c.553; the reference has two copies in a row; one copy, 3 bases deleted.
Protein change: p.Phe186del; deletes phenylalanine 186.
Molecular consequence: inframe deletion.
Genome position (GRCh38, 1-based): chr15:68,209,744-68,209,746, GAA deleted on the plus strand (TTC on the coding strand, the reverse complement: CLN6 is on the minus strand); deleting any 3 consecutive bases within chr15:68,209,744-68,209,750 gives the same sequence; the position shown is the placement nearest the transcript's 3' end. VCF-style (leftmost placement, unchanged base first): chr15-68209743-GGAA-G. GRCh37 (hg19) VCF-style: chr15-68502081-GGAA-G.
Other names: short protein forms F186del.
Identifiers: ClinVar variation 1367374 (VCV001367374.6), dbSNP rs2141137304, ClinGen allele CA2580613867.
Genomic context (GRCh38, chr15:68,209,743, plus strand): 5'-GAATCAAGCTCTCAGCTTTAGAGGCAGTAAAGCAGCCGCTGAAGTACATGAAGAGGATGA[GGAA>G]GAAGGGGATGTACCTGTGACAGGAAGGCCAGTGTCTTAGAGGCCTGCTCAGCGGCCCTCT-3'